The following is an entry in ClinVar:

NM_001032283.3(TMPO):c.565+1296T>G

Gene: TMPO (thymopoietin; plus strand). Cytogenetic location: 12q23.1.
Variant type: single nucleotide variant.
Coding change: c.565+1296T>G on transcript NM_001032283.3 (MANE Select); 1296 bases into the intron after coding-DNA position 565, T replaced by G.
Molecular consequence: intron variant. On other transcripts: missense variant (1).
Genome position (GRCh38, 1-based): chr12:98,533,134, T>G. VCF-style: chr12-98533134-T-G. GRCh37 (hg19) VCF-style: chr12-98926912-T-G.
Other names: p.S293A:TCG>GCG; c.877T>G, p.Ser293Ala (NM_003276.2); c.565+1296T>G (NM_001307975.2, NM_001032284.3); short protein forms S293A.
Identifiers: ClinVar variation 36876 (VCV000036876.21), dbSNP rs35645287, ClinGen allele CA282439.

ClinVar aggregate classification (germline): Benign. Review status: criteria provided, multiple submitters, no conflicts (2 of 4 stars). 7 submissions from 7 submitters: Benign (6). 1 of the submissions does not count toward it. Last evaluated 2026-02-03.

Conditions:
Cardiomyopathy (CMYO). Also called: Cardiomyopathies. Identifiers: Orphanet 167848, MedGen C0878544, MONDO:0004994, HP:0001638. Inheritance: Various modes of inheritance.
Loeys-Dietz syndrome 2 (LDS2). Also called: TGFBR2-Related Loeys-Dietz Syndrome; Marfan syndrome, type 2 (formerly); AORTIC ANEURYSM, FAMILIAL THORACIC 3; MARFAN SYNDROME, TYPE II; Marfan Syndrome type 2; Marfan like connective tissue disorder. Identifiers: Orphanet 284973, Orphanet 558, MedGen C2674574, MONDO:0012427, OMIM 610168.

Allele frequency attached by ClinVar (database versions not stated): gnomAD exomes 0.00189 and 0.00465; gnomAD 0.01769 and 0.01895; 1000 Genomes Project 30x 0.01889; ESP Exome Variant Server 0.01907; 1000 Genomes Project 0.01917; ExAC 0.00561; TOPMed 0.02013.

Submissions (7):

Labcorp Genetics (formerly Invitae), Labcorp
Classification: Benign for Loeys-Dietz syndrome 2. Last evaluated: 2026-02-03. Review status: criteria provided, single submitter. Criteria: Invitae Variant Classification Sherloc (09022015). Collection method: clinical testing. Allele origin: germline.

Ambry Genetics
Classification: Benign. Last evaluated: 2015-10-01. Review status: criteria provided, single submitter. Criteria: Ambry Variant Classification Scheme 2023. Collection method: clinical testing. Allele origin: germline.

GeneDx
Classification: Benign. Last evaluated: 2014-03-05. Review status: criteria provided, single submitter. Criteria: GeneDx Variant Classification (06012015). Collection method: clinical testing. Allele origin: germline. Affected: yes.
Comment: This variant is considered likely benign or benign based on one or more of the following criteria: it is a conservative change, it occurs at a poorly conserved position in the protein, it is predicted to be benign by multiple in silico algorithms, and/or has population frequency not consistent with disease.

Biesecker Lab/Clinical Genomics Section, National Institutes of Health
Classification: Benign. Last evaluated: 2013-06-24. Review status: criteria provided, single submitter. Criteria: Ng et al. (Circ Cardiovasc Genet. 2013). Collection method: research. Allele origin: unknown. Observed: 2 variant alleles. Study: ClinSeq.
Comment: The study set was not selected for affection status in relation to any cancer. Pathogenicity categories were based on literature curation. See Pubmed ID:23861362 for details.

Medical sequencing

Laboratory for Molecular Medicine, Mass General Brigham Personalized Medicine
Classification: Benign. Last evaluated: 2012-03-19. Review status: criteria provided, single submitter. Criteria: LMM Criteria. Collection method: clinical testing. Allele origin: germline. Observed: 16 variant alleles.
Comment: p.Ser293Ala in Exon 04 of TMPO: This variant is not expected to have clinical si gnificance because it has been identified in 5.4% (200/3738) of African American chromosomes from a broad population by the NHLBI Exome Sequencing Project (dbSNP rs35645287).

Breakthrough Genomics
Classification: Benign. Review status: criteria provided, single submitter. Criteria: ACMG Guidelines, 2015. Collection method: not provided. Allele origin: germline. Inheritance: Unknown mechanism. Affected: yes.

Women's Health and Genetics/Laboratory Corporation of America, LabCorp
Classification: Benign for Cardiomyopathy. Last evaluated: 2013-05-10. Review status: no assertion criteria provided. Collection method: clinical testing. Allele origin: germline. Not counted in ClinVar's aggregate classification.